The following is an entry in ClinVar:

ClinVar aggregate classification (germline): Pathogenic. Review status: criteria provided, multiple submitters, no conflicts (2 of 4 stars). 3 submissions from 3 submitters: Pathogenic (2). 1 of the submissions does not count toward it. Last evaluated 2025-12-14.

Conditions:
Hermansky-Pudlak syndrome 1 (HPS1). Also called: DELTA STORAGE POOL DISEASE. Identifiers: Orphanet 231500, Orphanet 79430, MedGen C2931875, MONDO:0008748, OMIM 203300.

Submissions (3):

Myriad Genetics, Inc.
Classification: Pathogenic for Hermansky-Pudlak syndrome 1. Last evaluated: 2025-12-14. Review status: criteria provided, single submitter. Criteria: Myriad Autosomal Dominant, Autosomal Recessive and X-Linked Classification Criteria (2023). Collection method: clinical testing. Allele origin: unknown.
Comment: NM_000195.3(HPS1):c.187G>T(E63*) is expected to be pathogenic in the context of Hermansky-Pudlak syndrome, HPS1-related. This variant is predicted to lead to an abnormal or absent protein product due to the creation of a premature termination codon in HPS1, a gene where loss-of-function variants are known to be pathogenic. Please note: this variant was assessed in the context of healthy population screening.

Juno Genomics, Hangzhou Juno Genomics, Inc
Classification: Pathogenic for Hermansky-Pudlak syndrome 1. Review status: criteria provided, single submitter. Criteria: ACMG Guidelines, 2015. Collection method: clinical testing. Allele origin: germline. Affected: yes.
Comment: Absent from controls (or at extremely low frequency if recessive) in Genome Aggregation Database, Exome Sequencing Project, 1000 Genomes Project, or Exome Aggregation Consortium.;Null variant in a gene where loss of function (LOF) is a known mechanism of disease.;For recessive disorders, detected in trans with a pathogenic variant.;Patient's phenotype or family history is highly specific for a disease with a single genetic etiology.

Center of Medical Genetics, Central South University
Classification: Pathogenic for Hermansky-Pudlak syndrome 1. Last evaluated: 2019-03-26. Review status: no assertion criteria provided. Criteria: ACMG Guidelines, 2015. Collection method: clinical testing. Allele origin: germline. Affected: yes. Not counted in ClinVar's aggregate classification.

NM_000195.5(HPS1):c.187G>T (p.Glu63Ter)

Gene: HPS1 (HPS1 biogenesis of lysosomal organelles complex 3 subunit 1; minus strand). Cytogenetic location: 10q24.2.
Variant type: single nucleotide variant.
Coding change: c.187G>T on transcript NM_000195.5 (MANE Select); coding-DNA position 187, G replaced by T.
Protein change: p.Glu63Ter; replaces glutamic acid 63 with a stop codon.
Molecular consequence: nonsense. On other transcripts: 5 prime UTR variant (6).
Genome position (GRCh38, 1-based): chr10:98,435,703, C>A on the plus strand (G>T on the coding strand, the complement: HPS1 is on the minus strand). VCF-style: chr10-98435703-C-A. GRCh37 (hg19) VCF-style: chr10-100195460-C-A.
Other names: c.187G>T, p.Glu63Ter (NM_001322481.2, NM_001322482.2, NM_001322490.2 and 8 more transcripts); c.-40G>T (NM_001322483.2, NM_001322484.2, NM_001322485.2); c.-829G>T (NM_001322487.2); c.-587G>T (NM_001322489.2); c.-730G>T (NM_001311345.2); short protein forms E63*.
Identifiers: ClinVar variation 627612 (VCV000627612.5), dbSNP rs1591120765, ClinGen allele CA378055667.